The following is an entry in ClinVar:

ClinVar aggregate classification (germline): Pathogenic (1 of 4 stars; one submission).

Submission:

GeneDx
Classification: Pathogenic. Last evaluated: 2021-08-31. Review status: criteria provided, single submitter. Criteria: GeneDx Variant Classification Process June 2021. Collection method: clinical testing. Allele origin: germline. Affected: yes.
Comment: Has not been previously published as pathogenic or benign to our knowledge; Nonsense variant predicted to result in protein truncation or nonsense mediated decay in a gene for which loss-of-function is a known mechanism of disease; Not observed at significant frequency in large population cohorts (Lek et al., 2016); This variant is associated with the following publications: (PMID: 27535533)

NM_001372044.2(SHANK3):c.2974C>T (p.Arg992Ter)

Gene: SHANK3 (SH3 and multiple ankyrin repeat domains 3; plus strand). Cytogenetic location: 22q13.33.
Variant type: single nucleotide variant.
Coding change: c.2974C>T on transcript NM_001372044.2 (MANE Select); coding-DNA position 2974, C replaced by T.
Protein change: p.Arg992Ter; replaces arginine 992 with a stop codon.
Molecular consequence: nonsense.
Genome position (GRCh38, 1-based): chr22:50,720,582, C>T. VCF-style: chr22-50720582-C-T. GRCh37 (hg19) VCF-style: chr22-51159010-C-T.
Other names: c.2749C>T (NM_033517.1); short protein forms R992*.
Identifiers: ClinVar variation 1328816 (VCV001328816.2), dbSNP rs1327088096, ClinGen allele CA515259689.
Genomic context (GRCh38, chr22:50,720,582, plus strand): 5'-GACTCGGCGCCCGAGTCGGGCGACGCCCCTCGACCCCCGCCCGCGGCCACCCCGCCCGAG[C>T]GACCCAAGCGCCGGCCGCGGCCGCCCGGCCCCGACAGCCCCTACGCCAACCTGGGCGCCT-3'